The following is an entry in ClinVar:

ClinVar aggregate classification (germline): Uncertain significance (1 of 4 stars; one submission).

Allele frequency attached by ClinVar (database versions not stated): TOPMed below 0.00001.

Submission:

Ambry Genetics
Classification: Uncertain significance. Last evaluated: 2022-04-01. Review status: criteria provided, single submitter. Criteria: Ambry Variant Classification Scheme 2023. Collection method: clinical testing. Allele origin: germline.
Comment: The p.P608S variant (also known as c.1822C>T), located in coding exon 17 of the PRKDC gene, results from a C to T substitution at nucleotide position 1822. The proline at codon 608 is replaced by serine, an amino acid with similar properties. This amino acid position is conserved. In addition, this alteration is predicted to be tolerated by in silico analysis. Since supporting evidence is limited at this time, the clinical significance of this alteration remains unclear.

NM_006904.7(PRKDC):c.1822C>T (p.Pro608Ser)

Gene: PRKDC (protein kinase, DNA-activated, catalytic subunit; minus strand). Cytogenetic location: 8q11.21.
Variant type: single nucleotide variant.
Coding change: c.1822C>T on transcript NM_006904.7 (MANE Select); coding-DNA position 1822, C replaced by T.
Protein change: p.Pro608Ser; replaces proline 608 with serine.
Molecular consequence: missense variant.
Genome position (GRCh38, 1-based): chr8:47,930,742, G>A on the plus strand (C>T on the coding strand, the complement: PRKDC is on the minus strand). VCF-style: chr8-47930742-G-A. GRCh37 (hg19) VCF-style: chr8-48843302-G-A.
Other names: c.1822C>T, p.Pro608Ser (NM_001081640.2); short protein forms P608S.
Identifiers: ClinVar variation 1780782 (VCV001780782.2), dbSNP rs2090236827, ClinGen allele CA371164770.
Genomic context (GRCh38, chr8:47,930,742, plus strand): 5'-CCACCAGGTTAATGAAAGCCGAAAAATCTTTAGGTTTAGCTGGATGCAAGTTAGCCGCTG[G>A]ATCTGAAGTTGGGATCATCCAAACACCAGGCGCCTCATCTCCATTCTTAAAGAGTAATTG-3'
Protein context (NP_008835.5, residues 598-618): PGVWMIPTSD[Pro608Ser]AANLHPAKPK